The following is an entry in ClinVar:

ClinVar aggregate classification (germline): Likely benign. Review status: criteria provided, multiple submitters, no conflicts (2 of 4 stars). 3 submissions from 3 submitters: Likely benign (3). Last evaluated 2025-06-11.

Conditions:
Erythrocytosis, familial, 3 (ECYT3). Identifiers: Orphanet 247511, MedGen C1853286, MONDO:0012353, OMIM 609820.

Allele frequency attached by ClinVar (database versions not stated): gnomAD 0.00001; gnomAD exomes 0.00001; TOPMed 0.00002; ExAC 0.00005.

Submissions (3):

Labcorp Genetics (formerly Invitae), Labcorp
Classification: Likely benign for Erythrocytosis, familial, 3. Last evaluated: 2025-06-11. Review status: criteria provided, single submitter. Criteria: Invitae Variant Classification Sherloc (09022015). Collection method: clinical testing. Allele origin: germline.

CeGaT Center for Human Genetics Tuebingen
Classification: Likely benign. Last evaluated: 2024-08-01. Review status: criteria provided, single submitter. Criteria: CeGaT Center For Human Genetics Tuebingen Variant Classification Criteria Version 2. Collection method: clinical testing. Allele origin: germline. Affected: yes. Observed: 1 variant allele.
Comment: EGLN1: BP4, BP7

Ambry Genetics
Classification: Likely benign. Last evaluated: 2022-02-12. Review status: criteria provided, single submitter. Criteria: Ambry Variant Classification Scheme 2023. Collection method: clinical testing. Allele origin: germline.

NM_022051.3(EGLN1):c.813G>A (p.Leu271=)

Genes: EGLN1 (egl-9 family hypoxia inducible factor 1; minus strand), LOC129932769 (ATAC-STARR-seq lymphoblastoid active region 2730; plus strand). Cytogenetic location: 1q42.2.
Variant type: single nucleotide variant.
Coding change: c.813G>A on transcript NM_022051.3 (MANE Select); coding-DNA position 813, G replaced by A.
Protein change: p.Leu271=; no amino-acid change (leucine 271 retained).
Molecular consequence: synonymous variant.
Genome position (GRCh38, 1-based): chr1:231,421,076, C>T on the plus strand (G>A on the coding strand, the complement: EGLN1 is on the minus strand). VCF-style: chr1-231421076-C-T. GRCh37 (hg19) VCF-style: chr1-231556822-C-T.
Other names: c.813G>A, p.Leu271= (NM_001377260.1, NM_001377261.1).
Identifiers: ClinVar variation 1762160 (VCV001762160.23), dbSNP rs201220243, ClinGen allele CA1453103.